The following is an entry in ClinVar:

ClinVar aggregate classification (germline): Uncertain significance (1 of 4 stars; one submission).

Allele frequency attached by ClinVar (database versions not stated): TOPMed 0.00002; gnomAD 0.00003; gnomAD exomes 0.00003 and 0.00004; ExAC 0.00007; ESP Exome Variant Server 0.00015; 1000 Genomes Project 30x 0.00016; 1000 Genomes Project 0.00020.
gnomAD v4.1: 44 of 1,614,152 alleles (0.0027%); highest among the groups gnomAD compares: South Asian, 0.0055%; no homozygotes.

Submission:

Labcorp Genetics (formerly Invitae), Labcorp
Classification: Uncertain significance. Last evaluated: 2019-12-14. Review status: criteria provided, single submitter. Criteria: Invitae Variant Classification Sherloc (09022015). Collection method: clinical testing. Allele origin: germline.
Comment: This variant is present in population databases (rs199633513, ExAC 0.03%). This sequence change replaces arginine with glutamine at codon 554 of the UMOD protein (p.Arg554Gln). The arginine residue is moderately conserved and there is a small physicochemical difference between arginine and glutamine. Algorithms developed to predict the effect of sequence changes on RNA splicing suggest that this variant may create or strengthen a splice site, but this prediction has not been confirmed by published transcriptional studies. In summary, the available evidence is currently insufficient to determine the role of this variant in disease. Therefore, it has been classified as a Variant of Uncertain Significance. Algorithms developed to predict the effect of missense changes on protein structure and function are either unavailable or do not agree on the potential impact of this missense change (SIFT: "Tolerated"; PolyPhen-2: "Probably Damaging"; Align-GVGD: "Class C0"). This variant has not been reported in the literature in individuals with UMOD-related conditions.

NM_003361.4(UMOD):c.1661G>A (p.Arg554Gln)

Gene: UMOD (uromodulin; minus strand). Cytogenetic location: 16p12.3.
Variant type: single nucleotide variant.
Coding change: c.1661G>A on transcript NM_003361.4 (MANE Select); coding-DNA position 1661, G replaced by A.
Protein change: p.Arg554Gln; replaces arginine 554 with glutamine.
Molecular consequence: missense variant. On other transcripts: non-coding transcript variant (1).
Genome position (GRCh38, 1-based): chr16:20,337,370, C>T on the plus strand (G>A on the coding strand, the complement: UMOD is on the minus strand). VCF-style: chr16-20337370-C-T. GRCh37 (hg19) VCF-style: chr16-20348692-C-T.
Other names: c.1661G>A, p.Arg554Gln (NM_001008389.3, NM_001378232.1, NM_001378233.1); c.1760G>A, p.Arg587Gln (NM_001278614.2); c.1802G>A, p.Arg601Gln (NM_001378234.1, NM_001378235.1); short protein forms R587Q, R554Q, R601Q.
Identifiers: ClinVar variation 840547 (VCV000840547.10), dbSNP rs199633513, ClinGen allele CA7939066.
Genomic context (GRCh38, chr16:20,337,370, plus strand): 5'-ATGGTGTCACAGAGATAGACTTCACAGTGCAGGTAGACTAGGTCATAGTTTCCAGCAAAC[C>T]GGAACATCTGGACGGAAAATCGGCCCTGGGAGGACTCCCCATTCTCCACCACTTGGATAG-3'
Protein context (NP_003352.2, residues 544-564): SQGRFSVQMF[Arg554Gln]FAGNYDLVYL